The following is an entry in ClinVar:

NM_000465.4(BARD1):c.2065G>A (p.Asp689Asn)

Gene: BARD1 (BRCA1 associated RING domain 1; minus strand). Cytogenetic location: 2q35.
Variant type: single nucleotide variant.
Coding change: c.2065G>A on transcript NM_000465.4 (MANE Select); coding-DNA position 2065, G replaced by A.
Protein change: p.Asp689Asn; replaces aspartic acid 689 with asparagine.
Molecular consequence: missense variant. On other transcripts: non-coding transcript variant (3).
Genome position (GRCh38, 1-based): chr2:214,728,945, C>T on the plus strand (G>A on the coding strand, the complement: BARD1 is on the minus strand). VCF-style: chr2-214728945-C-T. GRCh37 (hg19) VCF-style: chr2-215593669-C-T.
Other names: c.2008G>A, p.Asp670Asn (NM_001282543.2); c.712G>A, p.Asp238Asn (NM_001282545.2); c.655G>A, p.Asp219Asn (NM_001282548.2); c.526G>A, p.Asp176Asn (NM_001282549.2); short protein forms D689N, D238N, D219N, D670N, D176N.
Identifiers: ClinVar variation 216440 (VCV000216440.19), dbSNP rs863224671, ClinGen allele CA336589.

ClinVar aggregate classification (germline): Uncertain significance. Review status: criteria provided, multiple submitters, no conflicts (2 of 4 stars). 3 submissions from 3 submitters: Uncertain significance (3). Last evaluated 2025-02-08.

Conditions:
Hereditary cancer-predisposing syndrome. Also called: Hereditary Cancer Syndrome; Hereditary neoplastic syndrome; Neoplastic Syndromes, Hereditary; Tumor predisposition. Identifiers: Orphanet 140162, MedGen C0027672, MeSH D009386, MONDO:0015356.
Familial cancer of breast. Also called: Hereditary breast cancer; BREAST CANCER, FAMILIAL; hereditary breast carcinoma. Identifiers: Orphanet 227535, MedGen C0346153, MONDO:0016419, OMIM 114480. Disease mechanism: loss of function.

Allele frequency attached by ClinVar (database versions not stated): TOPMed below 0.00001; gnomAD 0.00001.
gnomAD v4.1: 1 of 1,614,048 alleles (0.000062%); highest among the groups gnomAD compares: Non-Finnish European, 0.000085%; no homozygotes.

Submissions (3):

Ambry Genetics
Classification: Uncertain significance for Hereditary cancer-predisposing syndrome. Last evaluated: 2025-02-08. Review status: criteria provided, single submitter. Criteria: Ambry Variant Classification Scheme 2023. Collection method: clinical testing. Allele origin: germline.
Comment: The p.D689N variant (also known as c.2065G>A), located in coding exon 11 of the BARD1 gene, results from a G to A substitution at nucleotide position 2065. The aspartic acid at codon 689 is replaced by asparagine, an amino acid with highly similar properties. This amino acid position is not well conserved in available vertebrate species. In addition, this alteration is predicted to be tolerated by in silico analysis. Since supporting evidence is limited at this time, the clinical significance of this alteration remains unclear.

Labcorp Genetics (formerly Invitae), Labcorp
Classification: Uncertain significance for Familial cancer of breast. Last evaluated: 2025-02-05. Review status: criteria provided, single submitter. Criteria: Invitae Variant Classification Sherloc (09022015). Collection method: clinical testing. Allele origin: germline.
Comment: This sequence change replaces aspartic acid, which is acidic and polar, with asparagine, which is neutral and polar, at codon 689 of the BARD1 protein (p.Asp689Asn). This variant is not present in population databases (gnomAD no frequency). This variant has not been reported in the literature in individuals affected with BARD1-related conditions. ClinVar contains an entry for this variant (Variation ID: 216440). An algorithm developed to predict the effect of missense changes on protein structure and function (PolyPhen-2) suggests that this variant is likely to be tolerated. In summary, the available evidence is currently insufficient to determine the role of this variant in disease. Therefore, it has been classified as a Variant of Uncertain Significance.

Sema4
Classification: Uncertain significance for Hereditary cancer-predisposing syndrome. Last evaluated: 2021-11-08. Review status: criteria provided, single submitter. Criteria: Sema4 Curation Guidelines. Collection method: curation. Allele origin: germline.
Comment: To the best of our knowledge, the BARD1 c.2065G>A (p.D689N) variant has not been reported in individuals with BARD1-related disease. It was not observed in the large and broad cohorts of the Genome Aggregation Database. The variant has been reported in ClinVar (Variation ID: 216440). In silico tools suggest the impact of the variant on protein function is benign, though these predictions have not been confirmed by functional studies. The evidence is insufficient to meet ACMG/AMP criteria for classifying the variant as benign or pathogenic. Thus, the clinical significance of this variant is currently uncertain.